The following is an entry in ClinVar:

ClinVar aggregate classification (germline): Pathogenic. Review status: criteria provided, multiple submitters, no conflicts (2 of 4 stars). 6 submissions from 6 submitters: Pathogenic (5). 1 of the submissions does not count toward it. Last evaluated 2026-07-06.

Conditions:
Ceroid lipofuscinosis, neuronal, 6A. Also called: Neuronal ceroid lipofuscinosis, Gypsy/Indian early juvenile variant; Neuronal ceroid lipofuscinosis 6; CLN6-Related Neuronal Ceroid-Lipofuscinosis; Neuronal ceroid lipofuscinosis, late infantile, variant. Identifiers: Orphanet 168491, Orphanet 228363, MedGen C5551375, MONDO:0011144, OMIM 601780.
Ceroid lipofuscinosis, neuronal, 6B (Kufs type). Also called: Neuronal ceroid lipofuscinosis 4A. Identifiers: Orphanet 700477, MedGen C5561927, MONDO:0008768, OMIM 204300.
Cystic fibrosis (CF). Also called: MUCOVISCIDOSIS. Identifiers: Orphanet 586, MedGen C0010674, MONDO:0009061, OMIM 219700. Disease mechanism: loss of function.
Inborn genetic diseases. Identifiers: MedGen C0950123, MeSH D030342.
Neuronal ceroid lipofuscinosis. Also called: Neuronal Ceroid Lipofuscinoses. Identifiers: Orphanet 216, Orphanet 79263, MedGen C0027877, MONDO:0016295. Disease mechanism: loss of function.

Allele frequency attached by ClinVar (database versions not stated): gnomAD exomes below 0.00001 and 0.00001; gnomAD 0.00001; ExAC 0.00002.
gnomAD v4.1: 6 of 1,581,306 alleles (0.00038%); highest among the groups gnomAD compares: Non-Finnish European, 0.00043%; no homozygotes.

Submissions (6):

Ambry Genetics
Classification: Pathogenic for Inborn genetic diseases. Last evaluated: 2026-07-06. Review status: criteria provided, single submitter. Criteria: Ambry Variant Classification Scheme 2023. Collection method: clinical testing. Allele origin: germline.
Comment: The c.896C>T (p.P299L) alteration is located in exon 7 (coding exon 7) of the CLN6 gene. This alteration results from a C to T substitution at nucleotide position 896, causing the proline (P) at amino acid position 299 to be replaced by a leucine (L). Based on data from gnomAD, the T allele has an overall frequency of 0.001% (3/251284) total alleles studied. The highest observed frequency was 0.003% (3/113604) of European (non-Finnish) alleles. This variant has been identified in the homozygous state and/or in conjunction with other CLN6 variant(s) in individual(s) with features consistent with CLN6-related neuronal ceroid lipofuscinosis (Sharp, 2003; Cannelli, 2009; Kousi, 2012; Di Fruscio, 2015). This amino acid position is highly conserved in available vertebrate species. This alteration is predicted to be deleterious by in silico analysis. Based on the available evidence, this alteration is classified as pathogenic.

Natera, Inc.
Classification: Pathogenic for Ceroid lipofuscinosis, neuronal, 6A. Last evaluated: 2025-11-28. Review status: criteria provided, single submitter. Criteria: Natera Variant Classification Schema (03/2026). Collection method: clinical testing. Allele origin: germline.
Comment: The c.896C>T variant in CLN6 is a missense variant predicted to cause substitution of proline to leucine at amino acid 299. This variant is rare in the general population with a frequency below the threshold expected for the associated phenotype(s). This variant has been observed in one or more individuals affected with the associated recessive disease, as either homozygous or compound heterozygous with a second variant (PMID: 19135028, 26075876). Computational prediction algorithms indicate this variant is likely to affect gene or protein function. Given the available evidence, this variant is classified as Pathogenic.

Fulgent Genetics
Classification: Pathogenic for Ceroid lipofuscinosis, neuronal, 6B (Kufs type); Ceroid lipofuscinosis, neuronal, 6A. Last evaluated: 2024-06-22. Review status: criteria provided, single submitter. Criteria: ACMG Guidelines, 2015. Collection method: clinical testing. Allele origin: germline.

Laboratory of Medical Genetics, National & Kapodistrian University of Athens
Classification: Pathogenic for Cystic fibrosis. Last evaluated: 2024-02-01. Review status: criteria provided, single submitter. Criteria: ACMG Guidelines, 2015. Collection method: curation. Allele origin: germline. Affected: no.

Labcorp Genetics (formerly Invitae), Labcorp
Classification: Pathogenic for Neuronal ceroid lipofuscinosis. Last evaluated: 2024-01-31. Review status: criteria provided, single submitter. Criteria: Invitae Variant Classification Sherloc (09022015). Collection method: clinical testing. Allele origin: germline.
Comment: This sequence change replaces proline, which is neutral and non-polar, with leucine, which is neutral and non-polar, at codon 299 of the CLN6 protein (p.Pro299Leu). This variant is present in population databases (rs758921701, gnomAD 0.003%). This missense change has been observed in individuals with neuronal ceroid lipofuscinosis (PMID: 19135028). ClinVar contains an entry for this variant (Variation ID: 550973). Advanced modeling of protein sequence and biophysical properties (such as structural, functional, and spatial information, amino acid conservation, physicochemical variation, residue mobility, and thermodynamic stability) has been performed at Invitae for this missense variant, however the output from this modeling did not meet the statistical confidence thresholds required to predict the impact of this variant on CLN6 protein function. For these reasons, this variant has been classified as Pathogenic.

Counsyl
Classification: Likely pathogenic for Ceroid lipofuscinosis, neuronal, 6A. Last evaluated: 2017-03-06. Review status: no assertion criteria provided. Collection method: clinical testing. Allele origin: unknown. Not counted in ClinVar's aggregate classification.

Literature cited by the submitters: PubMed 12815591 (cited by Ambry Genetics and Counsyl); PubMed 19135028 (cited by 4 submitters); PubMed 21990111 (cited by Ambry Genetics and Counsyl); PubMed 26075876 (cited by Ambry Genetics and Natera, Inc.).

NM_017882.3(CLN6):c.896C>T (p.Pro299Leu)

Gene: CLN6 (CLN6 transmembrane ER protein; minus strand). Cytogenetic location: 15q23.
Variant type: single nucleotide variant.
Coding change: c.896C>T on transcript NM_017882.3 (MANE Select); coding-DNA position 896, C replaced by T.
Protein change: p.Pro299Leu; replaces proline 299 with leucine.
Molecular consequence: missense variant.
Genome position (GRCh38, 1-based): chr15:68,208,180, G>A on the plus strand (C>T on the coding strand, the complement: CLN6 is on the minus strand). VCF-style: chr15-68208180-G-A. GRCh37 (hg19) VCF-style: chr15-68500518-G-A.
Other names: short protein forms P299L.
Identifiers: ClinVar variation 550973 (VCV000550973.13), dbSNP rs758921701, ClinGen allele CA7630448.